The following is an entry in ClinVar:

ClinVar aggregate classification (germline): Uncertain significance (1 of 4 stars; one submission).

Submission:

Labcorp Genetics (formerly Invitae), Labcorp
Classification: Uncertain significance. Last evaluated: 2024-02-05. Review status: criteria provided, single submitter. Criteria: Invitae Variant Classification Sherloc (09022015). Collection method: clinical testing. Allele origin: germline.
Comment: This sequence change replaces glutamic acid, which is acidic and polar, with alanine, which is neutral and non-polar, at codon 573 of the SAMD11 protein (p.Glu573Ala). This variant is not present in population databases (gnomAD no frequency). This variant has not been reported in the literature in individuals affected with SAMD11-related conditions. ClinVar contains an entry for this variant (Variation ID: 1461927). An algorithm developed to predict the effect of missense changes on protein structure and function (PolyPhen-2) suggests that this variant is likely to be disruptive. In summary, the available evidence is currently insufficient to determine the role of this variant in disease. Therefore, it has been classified as a Variant of Uncertain Significance.

NM_001385641.1(SAMD11):c.2207A>C (p.Glu736Ala)

Gene: SAMD11 (sterile alpha motif domain containing 11; plus strand). Cytogenetic location: 1p36.33.
Variant type: single nucleotide variant.
Coding change: c.2207A>C on transcript NM_001385641.1 (MANE Select); coding-DNA position 2207, A replaced by C.
Protein change: p.Glu736Ala; replaces glutamic acid 736 with alanine.
Molecular consequence: missense variant.
Genome position (GRCh38, 1-based): chr1:943,726, A>C. VCF-style: chr1-943726-A-C. GRCh37 (hg19) VCF-style: chr1-879106-A-C.
Other names: c.2210A>C, p.Glu737Ala (NM_001385640.1); c.1718A>C, p.Glu573Ala (NM_152486.4); short protein forms E737A, E573A, E736A.
Identifiers: ClinVar variation 1461927 (VCV001461927.8), dbSNP rs755183924, ClinGen allele CA337816654.